The following is an entry in ClinVar:

ClinVar aggregate classification (germline): Uncertain significance (1 of 4 stars; one submission).

Submission:

GeneDx
Classification: Uncertain significance. Last evaluated: 2023-02-26. Review status: criteria provided, single submitter. Criteria: GeneDx Variant Classification Process June 2021. Collection method: clinical testing. Allele origin: germline. Affected: yes.
Comment: Not observed at significant frequency in large population cohorts (gnomAD); In silico analysis supports that this missense variant has a deleterious effect on protein structure/function; Has not been previously published as pathogenic or benign to our knowledge

NM_001378452.1(ITPR1):c.6550C>T (p.Pro2184Ser)

Gene: ITPR1 (inositol 1,4,5-trisphosphate receptor type 1; plus strand). Cytogenetic location: 3p26.1.
Variant type: single nucleotide variant.
Coding change: c.6550C>T on transcript NM_001378452.1 (MANE Select); coding-DNA position 6550, C replaced by T.
Protein change: p.Pro2184Ser; replaces proline 2184 with serine.
Molecular consequence: missense variant.
Genome position (GRCh38, 1-based): chr3:4,783,855, C>T. VCF-style: chr3-4783855-C-T. GRCh37 (hg19) VCF-style: chr3-4825539-C-T.
Other names: c.6406C>T, p.Pro2136Ser (NM_001099952.4); c.6505C>T, p.Pro2169Ser (NM_001168272.2); c.6361C>T, p.Pro2121Ser (NM_002222.7); short protein forms P2121S, P2136S, P2169S, P2184S.
Identifiers: ClinVar variation 2577797 (VCV002577797.1), dbSNP rs1332959220, ClinGen allele CA351639995.